The following is an entry in ClinVar:

ClinVar aggregate classification (germline): Uncertain significance (1 of 4 stars; one submission).

Submission:

GeneDx
Classification: Uncertain significance. Last evaluated: 2024-11-11. Review status: criteria provided, single submitter. Criteria: GeneDx Variant Classification Process June 2021. Collection method: clinical testing. Allele origin: germline. Affected: yes.
Comment: Not observed at significant frequency in large population cohorts (gnomAD); In-frame insertion of 2 amino acid(s) in a non-repeat region; Has not been previously published as pathogenic or benign to our knowledge

NM_001292063.2(OTOG):c.6159_6164dup (p.Leu2054_Glu2055insAspLeu)

Gene: OTOG (otogelin; plus strand). Cytogenetic location: 11p15.1.
Variant type: Duplication.
Coding change: c.6159_6164dup on transcript NM_001292063.2 (MANE Select); coding-DNA positions 6159 to 6164, 6 bases duplicated (CCTGGA; older notation c.6159_6164dupCCTGGA).
Protein change: p.Leu2054_Glu2055insAspLeu.
Molecular consequence: inframe insertion.
Genome position (GRCh38, 1-based): chr11:17,612,197-17,612,202, CCTGGA duplicated. VCF-style (leftmost placement, unchanged base first): chr11-17612196-G-GCCTGGA. GRCh37 (hg19) VCF-style: chr11-17633743-G-GCCTGGA.
Other names: c.6195_6200dup, p.Leu2066_Glu2067insAspLeu (NM_001277269.2).
Identifiers: ClinVar variation 3899042 (VCV003899042.1).